The following is an entry in ClinVar:

NM_138409.4(MRAP2):c.348T>G (p.Phe116Leu)

Gene: MRAP2 (melanocortin 2 receptor accessory protein 2; plus strand). Cytogenetic location: 6q14.2.
Variant type: single nucleotide variant.
Coding change: c.348T>G on transcript NM_138409.4 (MANE Select); coding-DNA position 348, T replaced by G.
Protein change: p.Phe116Leu; replaces phenylalanine 116 with leucine.
Molecular consequence: missense variant.
Genome position (GRCh38, 1-based): chr6:84,089,211, T>G. VCF-style: chr6-84089211-T-G. GRCh37 (hg19) VCF-style: chr6-84798930-T-G.
Other names: c.90T>G, p.Phe30Leu (NM_001346541.2); c.348T>G, p.Phe116Leu (NM_001346542.2, NM_001346544.2); c.183T>G, p.Phe61Leu (NM_001346543.2); short protein forms F30L, F116L, F61L.
Identifiers: ClinVar variation 4987874 (VCV004987874.1).

ClinVar aggregate classification (germline): Uncertain significance (1 of 4 stars; one submission).

Conditions:
MRAP2-related disorder. Also called: MRAP2-related condition.

gnomAD v4.1: 7 of 1,614,212 alleles (0.00043%); highest among the groups gnomAD compares: Non-Finnish European, 0.00059%; no homozygotes.

Submission:

PreventionGenetics, part of Exact Sciences
Classification: Uncertain significance for MRAP2-related condition. Last evaluated: 2025-08-27. Review status: criteria provided, single submitter. Criteria: ACMG Guidelines, 2015. Collection method: clinical testing. Allele origin: germline.
Comment: The MRAP2 c.348T>G variant is predicted to result in the amino acid substitution p.Phe116Leu. To our knowledge, this variant has not been reported in the literature. This variant is reported in 0.00088% of alleles in individuals of European (Non-Finnish) descent in gnomAD. At this time, the clinical significance of this variant is uncertain due to the absence of conclusive functional and genetic evidence.